The following is an entry in ClinVar:

ClinVar aggregate classification (germline): Uncertain significance (1 of 4 stars; one submission).

Conditions:
Deficiency of 3-hydroxyacyl-CoA dehydrogenase. Also called: 3-hydroxyacyl-CoA dehydrogenase deficiency; HADH DEFICIENCY. Identifiers: Orphanet 309127, Orphanet 71212, MedGen C1291230, MONDO:0017715, OMIM 231530.

Submission:

Labcorp Genetics (formerly Invitae), Labcorp
Classification: Uncertain significance for Deficiency of 3-hydroxyacyl-CoA dehydrogenase. Last evaluated: 2022-06-15. Review status: criteria provided, single submitter. Criteria: Invitae Variant Classification Sherloc (09022015). Collection method: clinical testing. Allele origin: germline.
Comment: This sequence change replaces alanine, which is neutral and non-polar, with threonine, which is neutral and polar, at codon 106 of the HADH protein (p.Ala106Thr). This variant is not present in population databases (gnomAD no frequency). This variant has not been reported in the literature in individuals affected with HADH-related conditions. Algorithms developed to predict the effect of missense changes on protein structure and function (SIFT, PolyPhen-2, Align-GVGD) all suggest that this variant is likely to be tolerated. In summary, the available evidence is currently insufficient to determine the role of this variant in disease. Therefore, it has been classified as a Variant of Uncertain Significance.

NM_005327.7(HADH):c.316G>A (p.Ala106Thr)

Gene: HADH (hydroxyacyl-CoA dehydrogenase; plus strand). Cytogenetic location: 4q25.
Variant type: single nucleotide variant.
Coding change: c.316G>A on transcript NM_005327.7 (MANE Select); coding-DNA position 316, G replaced by A.
Protein change: p.Ala106Thr; replaces alanine 106 with threonine.
Molecular consequence: missense variant.
Genome position (GRCh38, 1-based): chr4:108,014,485, G>A. VCF-style: chr4-108014485-G-A. GRCh37 (hg19) VCF-style: chr4-108935641-G-A.
Other names: c.316G>A, p.Ala106Thr (NM_001184705.4); c.328G>A, p.Ala110Thr (NM_001331027.2); short protein forms A106T, A110T.
Identifiers: ClinVar variation 2001643 (VCV002001643.4), dbSNP rs2477217189, ClinGen allele CA357831301.
Genomic context (GRCh38, chr4:108,014,485, plus strand): 5'-CATTAGGCCGGCGATGAATTTGTGGAGAAGACCCTGAGCACCATAGCGACCAGCACGGAT[G>A]CAGCCTCCGTTGTCCACAGCACAGACTTGGTGGTGGAAGCCATCGTGGAGAATCTGAAGG-3'
Protein context (NP_005318.6, residues 96-116): TLSTIATSTD[Ala106Thr]ASVVHSTDLV